The following is an entry in ClinVar:

NM_001286445.3(RIPOR2):c.2828A>G (p.Tyr943Cys)

Gene: RIPOR2 (RHO family interacting cell polarization regulator 2; minus strand). Cytogenetic location: 6p22.3.
Variant type: single nucleotide variant.
Coding change: c.2828A>G on transcript NM_001286445.3 (MANE Select); coding-DNA position 2828, A replaced by G.
Protein change: p.Tyr943Cys; replaces tyrosine 943 with cysteine.
Molecular consequence: missense variant.
Genome position (GRCh38, 1-based): chr6:24,825,266, T>C on the plus strand (A>G on the coding strand, the complement: RIPOR2 is on the minus strand). VCF-style: chr6-24825266-T-C. GRCh37 (hg19) VCF-style: chr6-24825494-T-C.
Other names: c.2741A>G, p.Tyr914Cys (NM_001346031.2, NM_001346032.2); c.2891A>G, p.Tyr964Cys (NM_014722.5); short protein forms Y914C, Y943C, Y964C.
Identifiers: ClinVar variation 1680481 (VCV001680481.6), dbSNP rs1760059141, ClinGen allele CA362986407.
Genomic context (GRCh38, chr6:24,825,266, plus strand): 5'-GCCATGGTTTAGTGTCTTACCTTTTCCCTGAAATGCTGATTTTTGGAGGCTGCTGCCAAG[T>C]AAAGCGTCACAGCCTCACTAACTTCGTTGTCCTCTCTGGTTAATAGCAGAGCCAGAGTCC-3'
Protein context (NP_001273374.1, residues 933-953): DNEVSEAVTL[Tyr943Cys]LAAASKNQHF

ClinVar aggregate classification (germline): Uncertain significance (1 of 4 stars; one submission).

Allele frequency attached by ClinVar (database versions not stated): gnomAD 0.00001.
gnomAD v4.1: 1 of 1,551,318 alleles (0.000064%); highest among the groups gnomAD compares: Admixed American, 0.002%; no homozygotes.

Submission:

Labcorp Genetics (formerly Invitae), Labcorp
Classification: Uncertain significance. Last evaluated: 2022-09-01. Review status: criteria provided, single submitter. Criteria: Invitae Variant Classification Sherloc (09022015). Collection method: clinical testing. Allele origin: germline.
Comment: This sequence change replaces tyrosine, which is neutral and polar, with cysteine, which is neutral and slightly polar, at codon 964 of the FAM65B protein (p.Tyr964Cys). In summary, the available evidence is currently insufficient to determine the role of this variant in disease. Therefore, it has been classified as a Variant of Uncertain Significance. Algorithms developed to predict the effect of missense changes on protein structure and function output the following: SIFT: "Deleterious"; PolyPhen-2: "Benign"; Align-GVGD: "Class C25". The cysteine amino acid residue is found in multiple mammalian species, which suggests that this missense change does not adversely affect protein function. ClinVar contains an entry for this variant (Variation ID: 1680481). This variant has not been reported in the literature in individuals affected with FAM65B-related conditions. This variant is not present in population databases (gnomAD no frequency).